The following is an entry in ClinVar:

NM_174936.4(PCSK9):c.1503+6_1503+15dup

Gene: PCSK9 (proprotein convertase subtilisin/kexin type 9; plus strand). Cytogenetic location: 1p32.3.
Variant type: Duplication.
Coding change: c.1503+6_1503+15dup on transcript NM_174936.4 (MANE Select); bases 6 to 15 of the intron after coding-DNA position 1503, 10 bases duplicated (TGTACCCCTC; older notation c.1503+6_1503+15dupTGTACCCCTC).
Molecular consequence: intron variant.
Genome position (GRCh38, 1-based): chr1:55,058,653-55,058,662, TGTACCCCTC duplicated; duplicating any 10 consecutive bases within chr1:55,058,652-55,058,662 gives the same sequence; the c. name uses the placement nearest the transcript's 3' end. VCF-style (leftmost placement, unchanged base first): chr1-55058651-A-ACTGTACCCCT. GRCh37 (hg19) VCF-style: chr1-55524324-A-ACTGTACCCCT.
Identifiers: ClinVar variation 925558 (VCV000925558.10), dbSNP rs1449545218, ClinGen allele CA523275552.

ClinVar aggregate classification (germline): Conflicting classifications of pathogenicity. Review status: criteria provided, conflicting classifications (1 of 4 stars). 3 submissions from 3 submitters: Uncertain significance (2); Likely benign (1). Last evaluated 2025-09-04.

Conditions:
Familial hypercholesterolemia. Also called: Familial hypercholesterolemias; Familial hypercholesterolaemia. Identifiers: MedGen C0020445, MONDO:0005439.
Hypercholesterolemia, autosomal dominant, 3 (FHCL3). Also called: Familial hypercholesterolemia 3; Familial Hypercholesterolemia, Autosomal Dominant, 3; PCSK9-Related Familial Hypercholesterolemia, Autosomal Dominant. Identifiers: MedGen C1863551, MONDO:0011369, OMIM 603776.

Submissions (3):

Color Diagnostics, LLC DBA Color Health
Classification: Uncertain significance for Familial hypercholesterolemia. Last evaluated: 2025-09-04. Review status: criteria provided, single submitter. Criteria: ACMG Guidelines, 2015. Collection method: clinical testing. Allele origin: germline.
Comment: This variant causes a duplication of 10 nucleotides at the +6_+15 positions in intron 9 of the PCSK9 gene. To our knowledge, functional studies have not been reported for this variant. This variant has not been reported in individuals affected with PCSK9-related disorders in the literature. This variant has been identified in 1/235798 chromosomes in the general population by the Genome Aggregation Database (gnomAD). The available evidence is insufficient to determine the role of this variant in disease conclusively. Therefore, this variant is classified as a Variant of Uncertain Significance.

All of Us Research Program, National Institutes of Health
Classification: Uncertain significance for Hypercholesterolemia, autosomal dominant, 3. Last evaluated: 2023-07-22. Review status: criteria provided, single submitter. Criteria: ACMG Guidelines, 2015. Collection method: clinical testing. Allele origin: germline. Inheritance: Autosomal dominant inheritance. Observed: 2 variant alleles, 2 heterozygotes.
Comment: This variant causes a duplication of 10 nucleotides at the +6 position in intron 9 of the PCSK9 gene. To our knowledge, functional studies have not been reported for this variant. This variant has not been reported in individuals affected with PCSK9-related disorders in the literature. This variant has been identified in 1/235798 chromosomes in the general population by the Genome Aggregation Database (gnomAD). The available evidence is insufficient to determine the role of this variant in disease conclusively. Therefore, this variant is classified as a Variant of Uncertain Significance.

This study involves interpretation of variants in research participants for the purpose of population health screening. Participant phenotype was not available at the time of variant classification. Additional details can be found in publication PMID: 35346344, PMCID: PMC8962531

Labcorp Genetics (formerly Invitae), Labcorp
Classification: Likely benign for Hypercholesterolemia, autosomal dominant, 3. Last evaluated: 2023-01-17. Review status: criteria provided, single submitter. Criteria: Invitae Variant Classification Sherloc (09022015). Collection method: clinical testing. Allele origin: germline.